The following is an entry in ClinVar:

ClinVar aggregate classification (germline): Likely benign. Review status: criteria provided, multiple submitters, no conflicts (2 of 4 stars). 2 submissions from 2 submitters: Likely benign (2). Last evaluated 2026-09-01.

gnomAD v4.1: 369 of 1,612,874 alleles (0.023%); highest among the groups gnomAD compares: South Asian, 0.053%; 3 homozygotes.

Submissions (2):

CeGaT Center for Human Genetics Tuebingen
Classification: Likely benign. Last evaluated: 2026-09-01. Review status: criteria provided, single submitter. Criteria: CeGaT Center For Human Genetics Tuebingen Variant Classification Criteria Version 2. Collection method: clinical testing. Allele origin: germline. Affected: yes. Observed: 1 variant allele.
Comment: BRSK2: BP4, BP7

Blueprint Genetics
Classification: Likely benign. Last evaluated: 2024-11-08. Review status: criteria provided, single submitter. Criteria: ACMG Guidelines, 2015. Collection method: clinical testing. Allele origin: germline.

NM_001256627.2(BRSK2):c.1506G>A (p.Pro502=)

Gene: BRSK2 (BR serine/threonine kinase 2; plus strand). Cytogenetic location: 11p15.5.
Variant type: single nucleotide variant.
Coding change: c.1506G>A on transcript NM_001256627.2 (MANE Select); coding-DNA position 1506, G replaced by A.
Protein change: p.Pro502=; no amino-acid change (proline 502 retained).
Molecular consequence: synonymous variant. On other transcripts: non-coding transcript variant (1).
Genome position (GRCh38, 1-based): chr11:1,451,381, G>A. VCF-style: chr11-1451381-G-A. GRCh37 (hg19) VCF-style: chr11-1472611-G-A.
Other names: c.1506G>A, p.Pro502= (NM_001256629.2, NM_003957.4); c.1644G>A, p.Pro548= (NM_001256630.1, NM_001440667.1); c.1326G>A, p.Pro442= (NM_001282218.2, NM_001440669.1, NM_001440673.1 and 3 more transcripts); c.1938G>A, p.Pro646= (NM_001440665.1); c.1872G>A, p.Pro624= (NM_001440666.1); c.1572G>A, p.Pro524= (NM_001440668.1, NM_001440670.1); c.1392G>A, p.Pro464= (NM_001440671.1, NM_001440672.1).
Identifiers: ClinVar variation 4910202 (VCV004910202.2).